The following is an entry in ClinVar:

NM_182706.5(SCRIB):c.2667T>C (p.Asp889=)

Gene: SCRIB (scribble planar cell polarity protein; minus strand). Cytogenetic location: 8q24.3.
Variant type: single nucleotide variant.
Coding change: c.2667T>C on transcript NM_182706.5 (MANE Select); coding-DNA position 2667, T replaced by C.
Protein change: p.Asp889=; no amino-acid change (aspartic acid 889 retained).
Molecular consequence: synonymous variant.
Genome position (GRCh38, 1-based): chr8:143,805,115, A>G on the plus strand (T>C on the coding strand, the complement: SCRIB is on the minus strand). VCF-style: chr8-143805115-A-G. GRCh37 (hg19) VCF-style: chr8-144887285-A-G.
Other names: c.2667T>C, p.Asp889= (NM_015356.5).
Identifiers: ClinVar variation 3034132 (VCV003034132.2), dbSNP rs200182640, ClinGen allele CA4919077.

ClinVar aggregate classification (germline): Likely benign (0 of 4 stars; one submission).

Conditions:
SCRIB-related disorder. Also called: SCRIB-related condition.

Allele frequency attached by ClinVar (database versions not stated): 1000 Genomes Project 30x 0.00031; 1000 Genomes Project 0.00040; TOPMed 0.00082; ExAC 0.00088; gnomAD 0.00094; ESP Exome Variant Server 0.00095; gnomAD exomes 0.00177.
gnomAD v4.1: 2,662 of 1,599,040 alleles (0.17%); highest among the groups gnomAD compares: Non-Finnish European, 0.21%; 8 homozygotes.

Submission:

PreventionGenetics, part of Exact Sciences
Classification: Likely benign for SCRIB-related condition. Last evaluated: 2019-03-22. Review status: no assertion criteria provided. Collection method: clinical testing. Allele origin: germline.
Comment: This variant is classified as likely benign based on ACMG/AMP sequence variant interpretation guidelines (Richards et al. 2015 PMID: 25741868, with internal and published modifications).